The following is an entry in ClinVar:

NM_000093.5(COL5A1):c.67CTG[4] (p.Leu27_Leu28del)

Gene: COL5A1 (collagen type V alpha 1 chain; plus strand). Cytogenetic location: 9q34.3.
Variant type: Microsatellite.
Coding change: c.67CTG[4] on transcript NM_000093.5 (MANE Select); four copies in a row of the 3-base unit CTG starting at c.67; the reference has six copies in a row; two copies, 6 bases deleted.
Protein change: p.Leu27_Leu28del.
Molecular consequence: inframe deletion.
Genome position (GRCh38, 1-based): chr9:134,642,266-134,642,271, CTGCTG deleted; deleting any 6 consecutive bases within chr9:134,642,253-134,642,271 gives the same sequence; the position shown is the placement nearest the transcript's 3' end. VCF-style (leftmost placement, unchanged base first): chr9-134642252-CGCTGCT-C. GRCh37 (hg19) VCF-style: chr9-137534098-CGCTGCT-C.
Other names: c.67CTG[4], p.Leu27_Leu28del (NM_001278074.1).
Identifiers: ClinVar variation 1995952 (VCV001995952.4), dbSNP rs773994971, ClinGen allele CA591101811.

ClinVar aggregate classification (germline): Uncertain significance (1 of 4 stars; one submission).

Conditions:
Ehlers-Danlos syndrome, classic type, 1 (EDSCL1). Also called: EHLERS-DANLOS SYNDROME, GRAVIS TYPE; EHLERS-DANLOS SYNDROME, SEVERE CLASSIC TYPE; Ehlers-Danlos syndrome, type 1; EDS I; Ehlers-Danlos Syndrome, Classic Type, COL5A1-Related. Identifiers: MedGen C0268335, MONDO:0019567, OMIM 130000.

Submission:

Labcorp Genetics (formerly Invitae), Labcorp
Classification: Uncertain significance for Ehlers-Danlos syndrome, classic type, 1. Last evaluated: 2022-05-18. Review status: criteria provided, single submitter. Criteria: Invitae Variant Classification Sherloc (09022015). Collection method: clinical testing. Allele origin: germline.
Comment: This variant, c.79_84del, results in the deletion of 2 amino acid(s) of the COL5A1 protein (p.Leu27_Leu28del), but otherwise preserves the integrity of the reading frame. In summary, the available evidence is currently insufficient to determine the role of this variant in disease. Therefore, it has been classified as a Variant of Uncertain Significance. Experimental studies and prediction algorithms are not available or were not evaluated, and the functional significance of this variant is currently unknown. This variant has not been reported in the literature in individuals affected with COL5A1-related conditions. This variant is not present in population databases (gnomAD no frequency).